The following is an entry in ClinVar:

NM_024809.5(TCTN2):c.*412T>C

Gene: TCTN2 (tectonic family member 2; plus strand). Cytogenetic location: 12q24.31.
Variant type: single nucleotide variant.
Coding change: c.*412T>C on transcript NM_024809.5 (MANE Select); 412 bases downstream of the stop codon, T replaced by C.
Molecular consequence: 3 prime UTR variant.
Genome position (GRCh38, 1-based): chr12:123,708,125, T>C. VCF-style: chr12-123708125-T-C. GRCh37 (hg19) VCF-style: chr12-124192672-T-C.
Other names: c.*412T>C (NM_001143850.3).
Identifiers: ClinVar variation 307568 (VCV000307568.7), dbSNP rs112525270, ClinGen allele CA10632205.

ClinVar aggregate classification (germline): Benign/Likely benign. Review status: criteria provided, multiple submitters, no conflicts (2 of 4 stars). 3 submissions from 2 submitters: Benign (2); Likely benign (1). Last evaluated 2018-01-12.

Conditions:
Joubert syndrome 24 (JBTS24). Identifiers: Orphanet 475, MedGen C4084841, MONDO:0014724, OMIM 616654.
Meckel syndrome, type 8. Identifiers: Orphanet 564, MedGen C3836857, MONDO:0013482, OMIM 613885.

Allele frequency attached by ClinVar (database versions not stated): gnomAD exomes 0.01913; gnomAD 0.05570 and 0.05727; 1000 Genomes Project 0.05911; 1000 Genomes Project 30x 0.05965; TOPMed 0.06147.
gnomAD v4.1: 9,667 of 227,918 alleles (4.2%); highest among the groups gnomAD compares: African/African-American, 14%; 466 homozygotes.

Submissions (3):

Illumina Laboratory Services, Illumina
Classification: Benign for Meckel syndrome, type 8. Last evaluated: 2018-01-12. Review status: criteria provided, single submitter. Criteria: ICSL Variant Classification Criteria 13 December 2019. Collection method: clinical testing. Allele origin: germline.
Comment: This variant was observed in the ICSL laboratory as part of a predisposition screen in an ostensibly healthy population. It had not been previously curated by ICSL or reported in the Human Gene Mutation Database (HGMD: prior to June 1st, 2018), and was therefore a candidate for classification through an automated scoring system. Utilizing variant allele frequency, disease prevalence and penetrance estimates, and inheritance mode, an automated score was calculated to assess if this variant is too frequent to cause the disease. Based on the score and internal cut-off values, a variant classified as benign is not then subjected to further curation. The score for this variant resulted in a classification of benign for this disease.

Illumina Laboratory Services, Illumina
Classification: Benign for Joubert syndrome 24. Last evaluated: 2018-01-12. Review status: criteria provided, single submitter. Criteria: ICSL Variant Classification Criteria 13 December 2019. Collection method: clinical testing. Allele origin: germline.
Comment: the same text as in the submission from Illumina Laboratory Services, Illumina above.

Breakthrough Genomics
Classification: Likely benign. Review status: criteria provided, single submitter. Criteria: ACMG Guidelines, 2015. Collection method: not provided. Allele origin: germline. Inheritance: Autosomal recessive inheritance. Affected: yes.